The following is an entry in ClinVar:

ClinVar aggregate classification (germline): Conflicting classifications of pathogenicity. Review status: criteria provided, conflicting classifications (1 of 4 stars). 5 submissions from 5 submitters: Uncertain significance (3); Likely benign (1). 1 of the submissions does not count toward it. Last evaluated 2025-10-01.

Conditions:
Becker muscular dystrophy (BMD). Also called: MUSCULAR DYSTROPHY, PSEUDOHYPERTROPHIC PROGRESSIVE, BECKER TYPE; Becker Muscular Dystrophy (BMD). Identifiers: Orphanet 98895, MedGen C0917713, MONDO:0010311, OMIM 300376.
Cardiomyopathy (CMYO). Also called: Cardiomyopathies. Identifiers: Orphanet 167848, MedGen C0878544, MONDO:0004994, HP:0001638. Inheritance: Various modes of inheritance.
Duchenne muscular dystrophy (DMD). Also called: MUSCULAR DYSTROPHY, PSEUDOHYPERTROPHIC PROGRESSIVE, DUCHENNE TYPE; Duchenne Muscular Dystrophy (DMD). Identifiers: Orphanet 98896, MedGen C0013264, MONDO:0010679, OMIM 310200.
Dystrophin deficiency.
Cardiovascular phenotype. Identifiers: MedGen CN230736.

Allele frequency attached by ClinVar (database versions not stated): TOPMed below 0.00001; gnomAD exomes below 0.00001.
gnomAD v4.1: 5 of 1,211,091 alleles (0.00041%); highest among the groups gnomAD compares: Non-Finnish European, 0.00045%; no homozygotes.

Submissions (5):

Labcorp Genetics (formerly Invitae), Labcorp
Classification: Uncertain significance for Duchenne muscular dystrophy. Last evaluated: 2025-10-01. Review status: criteria provided, single submitter. Criteria: Invitae Variant Classification Sherloc (09022015). Collection method: clinical testing. Allele origin: germline.
Comment: This sequence change replaces alanine, which is neutral and non-polar, with threonine, which is neutral and polar, at codon 909 of the DMD protein (p.Ala909Thr). This variant is not present in population databases (gnomAD no frequency). This variant has not been reported in the literature in individuals affected with DMD-related conditions. ClinVar contains an entry for this variant (Variation ID: 409883). Invitae Evidence Modeling of protein sequence and biophysical properties (such as structural, functional, and spatial information, amino acid conservation, physicochemical variation, residue mobility, and thermodynamic stability) indicates that this missense variant is not expected to disrupt DMD protein function with a negative predictive value of 95%. In summary, the available evidence is currently insufficient to determine the role of this variant in disease. Therefore, it has been classified as a Variant of Uncertain Significance.

Women's Health and Genetics/Laboratory Corporation of America, LabCorp
Classification: Uncertain significance. Last evaluated: 2025-02-10. Review status: criteria provided, single submitter. Criteria: LabCorp Variant Classification Summary - May 2015. Collection method: clinical testing. Allele origin: germline.

Ambry Genetics
Classification: Likely benign for Cardiovascular phenotype. Last evaluated: 2024-09-12. Review status: criteria provided, single submitter. Criteria: Ambry Variant Classification Scheme 2023. Collection method: clinical testing. Allele origin: germline.

GeneDx
Classification: Uncertain significance. Last evaluated: 2024-07-18. Review status: criteria provided, single submitter. Criteria: GeneDx Variant Classification Process June 2021. Collection method: clinical testing. Allele origin: germline. Affected: yes.
Comment: Has not been previously published as pathogenic or benign to our knowledge; Not observed at significant frequency in large population cohorts (gnomAD); In silico analysis indicates that this missense variant does not alter protein structure/function

Natera, Inc.
Classification: Uncertain significance for Becker muscular dystrophy; Cardiomyopathy; Duchenne muscular dystrophy; Dystrophin deficiency. Last evaluated: 2020-06-30. Review status: no assertion criteria provided. Collection method: clinical testing. Allele origin: germline. Not counted in ClinVar's aggregate classification.

NM_004006.3(DMD):c.2725G>A (p.Ala909Thr)

Gene: DMD (dystrophin; minus strand). Cytogenetic location: Xp21.1.
Variant type: single nucleotide variant.
Coding change: c.2725G>A on transcript NM_004006.3 (MANE Select); coding-DNA position 2725, G replaced by A.
Protein change: p.Ala909Thr; replaces alanine 909 with threonine.
Molecular consequence: missense variant.
Genome position (GRCh38, 1-based): chrX:32,484,997, C>T on the plus strand (G>A on the coding strand, the complement: DMD is on the minus strand). VCF-style: chrX-32484997-C-T. GRCh37 (hg19) VCF-style: chrX-32503114-C-T.
Other names: c.2701G>A, p.Ala901Thr (NM_000109.4); c.2713G>A, p.Ala905Thr (NM_004009.3); c.2356G>A, p.Ala786Thr (NM_004010.3); short protein forms A909T, A901T, A905T, A786T.
Identifiers: ClinVar variation 409883 (VCV000409883.15), dbSNP rs1060502616, ClinGen allele CA16616685.